The following is an entry in ClinVar:

ClinVar aggregate classification (germline): Likely benign (1 of 4 stars; one submission).

Allele frequency attached by ClinVar (database versions not stated): gnomAD 0.00014; ExAC 0.00019; gnomAD exomes 0.00021.
gnomAD v4.1: 163 of 809,752 alleles (0.02%); highest among the groups gnomAD compares: Non-Finnish European, 0.029%; 8 homozygotes.

Submission:

CeGaT Center for Human Genetics Tuebingen
Classification: Likely benign. Last evaluated: 2022-12-01. Review status: criteria provided, single submitter. Criteria: CeGaT Center For Human Genetics Tuebingen Variant Classification Criteria Version 2. Collection method: clinical testing. Allele origin: germline. Affected: yes. Observed: 1 variant allele.
Comment: FAM66B: BS2; USP17L1: BS2

NM_001256873.1(USP17L1):c.797C>T (p.Thr266Met)

Genes: FAM66B (family with sequence similarity 66 member B; minus strand), USP17L1 (ubiquitin specific peptidase 17 like family member 1). Cytogenetic location: 8p23.1.
Variant type: single nucleotide variant.
Coding change: c.797C>T on transcript NM_001256873.1 (MANE Select); coding-DNA position 797, C replaced by T.
Protein change: p.Thr266Met; replaces threonine 266 with methionine.
Molecular consequence: missense variant. On other transcripts: non-coding transcript variant (1).
Genome position (GRCh38, 1-based): chr8:7,333,183, C>T. VCF-style: chr8-7333183-C-T. GRCh37 (hg19) VCF-style: chr8-7190705-C-T.
Other names: short protein forms T266M.
Identifiers: ClinVar variation 2658355 (VCV002658355.24), dbSNP rs779858091, ClinGen allele CA4614612.